The following is an entry in ClinVar:

ClinVar aggregate classification (germline): Uncertain significance (1 of 4 stars; one submission).

Conditions:
Brugada syndrome. Also called: Sudden unexplained nocturnal death syndrome; Sudden unexpected nocturnal death syndrome; Sudden Unexplained Death Syndrome; Sudden Unexplained Nocturnal Death Syndrome (SUNDS). Identifiers: Orphanet 130, MedGen C1142166, MONDO:0015263.

Submission:

Labcorp Genetics (formerly Invitae), Labcorp
Classification: Uncertain significance for Brugada syndrome. Last evaluated: 2021-05-17. Review status: criteria provided, single submitter. Criteria: Invitae Variant Classification Sherloc (09022015). Collection method: clinical testing. Allele origin: germline.
Comment: In summary, the available evidence is currently insufficient to determine the role of this variant in disease. Therefore, it has been classified as a Variant of Uncertain Significance. Algorithms developed to predict the effect of missense changes on protein structure and function are either unavailable or do not agree on the potential impact of this missense change (SIFT: "Tolerated"; PolyPhen-2: "Possibly Damaging"; Align-GVGD: "Class C0"). This variant has not been reported in the literature in individuals with CACNA2D1-related conditions. This variant is not present in population databases (ExAC no frequency). This sequence change replaces valine with leucine at codon 301 of the CACNA2D1 protein (p.Val301Leu). The valine residue is highly conserved and there is a small physicochemical difference between valine and leucine.

NM_000722.4(CACNA2D1):c.901G>C (p.Val301Leu)

Gene: CACNA2D1 (calcium voltage-gated channel auxiliary subunit alpha2delta 1; minus strand). Cytogenetic location: 7q21.11.
Variant type: single nucleotide variant.
Coding change: c.901G>C on transcript NM_000722.4 (MANE Select); coding-DNA position 901, G replaced by C.
Protein change: p.Val301Leu; replaces valine 301 with leucine.
Molecular consequence: missense variant.
Genome position (GRCh38, 1-based): chr7:82,038,214, C>G on the plus strand (G>C on the coding strand, the complement: CACNA2D1 is on the minus strand). VCF-style: chr7-82038214-C-G. GRCh37 (hg19) VCF-style: chr7-81667530-C-G.
Other names: c.901G>C, p.Val301Leu (NM_001366867.1); short protein forms V301L.
Identifiers: ClinVar variation 1506384 (VCV001506384.8), dbSNP rs2131202672, ClinGen allele CA367880147.